The following is an entry in ClinVar:

ClinVar aggregate classification (germline): Uncertain significance (1 of 4 stars; one submission).

Submission:

Labcorp Genetics (formerly Invitae), Labcorp
Classification: Uncertain significance. Last evaluated: 2024-06-14. Review status: criteria provided, single submitter. Criteria: Invitae Variant Classification Sherloc (09022015). Collection method: clinical testing. Allele origin: germline.
Comment: This sequence change replaces methionine, which is neutral and non-polar, with isoleucine, which is neutral and non-polar, at codon 1070 of the USP7 protein (p.Met1070Ile). This variant is not present in population databases (gnomAD no frequency). This variant has not been reported in the literature in individuals affected with USP7-related conditions. An algorithm developed to predict the effect of missense changes on protein structure and function (PolyPhen-2) suggests that this variant is likely to be tolerated. In summary, the available evidence is currently insufficient to determine the role of this variant in disease. Therefore, it has been classified as a Variant of Uncertain Significance.

NM_003470.3(USP7):c.3210G>C (p.Met1070Ile)

Gene: USP7 (ubiquitin specific peptidase 7; minus strand). Cytogenetic location: 16p13.2.
Variant type: single nucleotide variant.
Coding change: c.3210G>C on transcript NM_003470.3 (MANE Select); coding-DNA position 3210, G replaced by C.
Protein change: p.Met1070Ile; replaces methionine 1070 with isoleucine.
Molecular consequence: missense variant. On other transcripts: non-coding transcript variant (1).
Genome position (GRCh38, 1-based): chr16:8,894,097, C>G on the plus strand (G>C on the coding strand, the complement: USP7 is on the minus strand). VCF-style: chr16-8894097-C-G. GRCh37 (hg19) VCF-style: chr16-8987954-C-G.
Other names: c.3162G>C, p.Met1054Ile (NM_001286457.2); c.2913G>C, p.Met971Ile (NM_001286458.2); c.3036G>C, p.Met1012Ile (NM_001321858.2); short protein forms M1054I, M1012I, M971I, M1070I.
Identifiers: ClinVar variation 3699932 (VCV003699932.2).